The following is an entry in ClinVar:

NM_001371279.1(REEP1):c.250_253delinsCTCT (p.Ser84_Ser85delinsLeuCys)

Gene: REEP1 (receptor accessory protein 1; minus strand). Cytogenetic location: 2p11.2.
Variant type: Indel.
Coding change: c.250_253delinsCTCT on transcript NM_001371279.1 (MANE Select); coding-DNA positions 250 to 253, TCCA replaced by CTCT.
Protein change: p.Ser84_Ser85delinsLeuCys.
Molecular consequence: missense variant. On other transcripts: intron variant (1).
Genome position (GRCh38, 1-based): chr2:86,254,744-86,254,747, TGGA replaced by AGAG on the plus strand (TCCA replaced by CTCT on the coding strand, the reverse complement: REEP1 is on the minus strand). VCF-style: chr2-86254744-TGGA-AGAG. GRCh37 (hg19) VCF-style: chr2-86481867-TGGA-AGAG.
Other names: c.271_274delinsCTCT, p.Ser91_Ser92delinsLeuCys (NM_001164730.2); c.169_172delinsCTCT, p.Ser57_Ser58delinsLeuCys (NM_001164731.2); c.250_253delinsCTCT, p.Ser84_Ser85delinsLeuCys (NM_001371280.1, NM_022912.3); c.182+9218_182+9221delinsCTCT (NM_001164732.2).
Identifiers: ClinVar variation 971357 (VCV000971357.7), dbSNP rs1676459756, ClinGen allele CA1139657144.

ClinVar aggregate classification (germline): Uncertain significance. Review status: criteria provided, multiple submitters, no conflicts (2 of 4 stars). 2 submissions from 2 submitters: Uncertain significance (2). Last evaluated 2024-01-13.

Conditions:
Hereditary spastic paraplegia 31. Also called: SPASTIC PARAPLEGIA 31, AUTOSOMAL DOMINANT. Identifiers: Orphanet 101011, MedGen C1853247, MONDO:0012453, OMIM 610250.

Submissions (2):

Labcorp Genetics (formerly Invitae), Labcorp
Classification: Uncertain significance for Hereditary spastic paraplegia 31. Last evaluated: 2024-01-13. Review status: criteria provided, single submitter. Criteria: Invitae Variant Classification Sherloc (09022015). Collection method: clinical testing. Allele origin: germline.
Comment: This variant, c.250_253delinsCTCT , is a complex sequence change that results in the deletion of 2 and insertion of 2 amino acid(s) in the REEP1 protein (p.Ser84_Ser85delinsLeuCys). Information on the frequency of this variant in the gnomAD database is not available, as this variant may be reported differently in the database. This variant has not been reported in the literature in individuals affected with REEP1-related conditions. Experimental studies and prediction algorithms are not available or were not evaluated, and the functional significance of this variant is currently unknown. In summary, the available evidence is currently insufficient to determine the role of this variant in disease. Therefore, it has been classified as a Variant of Uncertain Significance.

Baylor Genetics
Classification: Uncertain significance for Hereditary spastic paraplegia 31. Last evaluated: 2018-06-28. Review status: criteria provided, single submitter. Criteria: ACMG Guidelines, 2015. Collection method: clinical testing. Allele origin: maternal. Affected: yes.
Comment: This variant was determined to be of uncertain significance according to ACMG Guidelines, 2015 [PMID:25741868].